The following continues an entry in ClinVar:

NM_001267550.2(TTN):c.98294C>G (p.Ala32765Gly)

ClinVar aggregate classification (germline): Conflicting classifications of pathogenicity. Uncertain significance (4); Benign (5); Likely benign (15).

Submissions 19 to 32 of 32:

Eurofins Ntd Llc (ga)
Classification: Likely benign. Last evaluated: 2015-08-06. Review status: criteria provided, single submitter. Criteria: EGL Classification Definitions 2015. Collection method: clinical testing. Allele origin: germline. Observed: 1 variant allele, 1 heterozygote.

Genetic Services Laboratory, University of Chicago
Classification: Likely benign. Last evaluated: 2015-02-10. Review status: criteria provided, single submitter. Criteria: ACMG Guidelines, 2015. Collection method: clinical testing. Allele origin: germline.

Ambry Genetics
Classification: Likely benign for Cardiovascular phenotype. Last evaluated: 2013-11-01. Review status: criteria provided, single submitter. Criteria: Ambry Autosomal Dominant and X-Linked criteria (10/2015). Collection method: clinical testing. Allele origin: germline. Observed: 1 variant allele.

Biesecker Lab/Clinical Genomics Section, National Institutes of Health
Classification: Likely benign. Last evaluated: 2013-06-24. Review status: criteria provided, single submitter. Criteria: Ng et al. (Circ Cardiovasc Genet. 2013). Collection method: research. Allele origin: unknown. Observed: 6 variant alleles. Study: ClinSeq.
Comment: The study set was not selected for affection status in relation to any cancer. Pathogenicity categories were based on literature curation. See Pubmed ID:23861362 for details.

Medical sequencing

Stanford Center for Inherited Cardiovascular Disease, Stanford University
Classification: Uncertain significance. Last evaluated: 2012-12-01. Review status: criteria provided, single submitter. Criteria: ACMG Guidelines, 2015. Collection method: provider interpretation. Allele origin: germline.

Genetics and Genomics Program, Sidra Medicine
Classification: Likely benign for Hypertrophic cardiomyopathy. Review status: criteria provided, single submitter. Criteria: ACMG Guidelines, 2015. Collection method: research. Allele origin: unknown. Affected: yes. Observed: 1 variant allele.

PreventionGenetics, part of Exact Sciences
Classification: Likely benign for TTN-related condition. Last evaluated: 2019-08-13. Review status: no assertion criteria provided. Collection method: clinical testing. Allele origin: germline. Not counted in ClinVar's aggregate classification.
Comment: This variant is classified as likely benign based on ACMG/AMP sequence variant interpretation guidelines (Richards et al. 2015 PMID: 25741868, with internal and published modifications).

Clinical Genetics DNA and cytogenetics Diagnostics Lab, Erasmus MC, Erasmus Medical Center
Classification: Likely benign. Review status: no assertion criteria provided. Collection method: clinical testing. Allele origin: germline. Affected: yes. Study: VKGL Data-share Consensus. Not counted in ClinVar's aggregate classification.

Clinical Genetics, Academic Medical Center
Classification: Benign. Review status: no assertion criteria provided. Collection method: clinical testing. Allele origin: germline. Affected: yes. Study: VKGL Data-share Consensus. Not counted in ClinVar's aggregate classification.

Diagnostic Laboratory, Department of Genetics, University Medical Center Groningen
Classification: Likely benign. Review status: no assertion criteria provided. Collection method: clinical testing. Allele origin: germline. Affected: yes. Study: VKGL Data-share Consensus. Not counted in ClinVar's aggregate classification.

Genome Diagnostics Laboratory, University Medical Center Utrecht
Classification: Likely benign. Review status: no assertion criteria provided. Collection method: clinical testing. Allele origin: germline. Affected: yes. Study: VKGL Data-share Consensus. Not counted in ClinVar's aggregate classification.

Joint Genome Diagnostic Labs from Nijmegen and Maastricht, Radboudumc and MUMC+
Classification: Benign. Review status: no assertion criteria provided. Collection method: clinical testing. Allele origin: germline. Affected: yes. Study: VKGL Data-share Consensus. Not counted in ClinVar's aggregate classification.

Laboratory of Diagnostic Genome Analysis, Leiden University Medical Center (LUMC)
Classification: Likely benign. Review status: no assertion criteria provided. Collection method: clinical testing. Allele origin: germline. Affected: yes. Study: VKGL Data-share Consensus. Not counted in ClinVar's aggregate classification.

Practice for Gait Abnormalities, David Pomarino, Competency Network Toe Walking C/o Practice Pomarino
Classification: Likely pathogenic for Tip-toe gait. Review status: no assertion criteria provided. Collection method: clinical testing. Allele origin: germline. Affected: yes. Not counted in ClinVar's aggregate classification.
Comment: Myopathy refers to diseases that affect skeletal Muscles. These diseases attack muscle fibers, making muscles weak. Inherited myopathies are often caused by inheriting an abnormal gene mutation from a parent that causes the disease. Symptoms of congenital myopathies usually start at birth or in early childhood, but may not appear until the teen years or even later in adulthood. Congenital myopathies are somewhat unique compared with other inherited myopathies, as weakness typically affects all muscles and is often not progressive. Symptoms are: Muscle weakness, most commonly of upper arms and shoulders and thighs, muscle cramps, stiffness and spasms, fatigue with exertion and lack of energy. Our patients all walk on tiptoe, so they show similar symptoms. When we genetically test them with our toe walking panel, we find that around 90 per cent of them have a genetic variant that explains their toe walking. These can be assigned, for example, to the area of myopathies (such as variants of the COL6A3 gene), the area of hereditary neuropathies (such as variants of the KMT2C gene) or the area of metabolic diseases (such as variants of the PYGM gene). In a smaller group of patients with almost identical symptoms, no abnormality is found in the genes of our panel, but spastic paraplegia can be detected. In another small group of our toe walkers, no abnormalities can be detected in the genes analysed in our toe walking panel, nor do they suffer from spastic paraplegia, as is also the case with healthy children. In contrast to these, however, they show a tiptoe gait. These patients suffer from infantile cerebral palsy, in which toe walking can also be observed.

Literature cited by the submitters: PubMed 24476948 (cited by Athena Diagnostics); PubMed 28831623 (cited by Athena Diagnostics); PubMed 34137518 (cited by Women's Health and Genetics/Laboratory Corporation of America, LabCorp); PubMed 37091313 (cited by Practice for Gait Abnormalities, David Pomarino, Competency Network Toe Walking C/o Practice Pomarino).